The following is an entry in ClinVar:

ClinVar aggregate classification (germline): Uncertain significance (1 of 4 stars; one submission).

gnomAD v4.1: 13 of 1,613,818 alleles (0.00081%); highest among the groups gnomAD compares: Non-Finnish European, 0.0011%; no homozygotes.

Submission:

Labcorp Genetics (formerly Invitae), Labcorp
Classification: Uncertain significance. Last evaluated: 2024-10-10. Review status: criteria provided, single submitter. Criteria: Invitae Variant Classification Sherloc (09022015). Collection method: clinical testing. Allele origin: germline.
Comment: This sequence change replaces glutamic acid, which is acidic and polar, with aspartic acid, which is acidic and polar, at codon 640 of the COL4A4 protein (p.Glu640Asp). This variant is present in population databases (rs772923694, gnomAD 0.007%). This variant has not been reported in the literature in individuals affected with COL4A4-related conditions. Invitae Evidence Modeling of protein sequence and biophysical properties (such as structural, functional, and spatial information, amino acid conservation, physicochemical variation, residue mobility, and thermodynamic stability) indicates that this missense variant is not expected to disrupt COL4A4 protein function with a negative predictive value of 95%. In summary, the available evidence is currently insufficient to determine the role of this variant in disease. Therefore, it has been classified as a Variant of Uncertain Significance.

NM_000092.5(COL4A4):c.1920G>C (p.Glu640Asp)

Gene: COL4A4 (collagen type IV alpha 4 chain; minus strand). Cytogenetic location: 2q36.3.
Variant type: single nucleotide variant.
Coding change: c.1920G>C on transcript NM_000092.5 (MANE Select); coding-DNA position 1920, G replaced by C.
Protein change: p.Glu640Asp; replaces glutamic acid 640 with aspartic acid.
Molecular consequence: missense variant.
Genome position (GRCh38, 1-based): chr2:227,077,961, C>G on the plus strand (G>C on the coding strand, the complement: COL4A4 is on the minus strand). VCF-style: chr2-227077961-C-G. GRCh37 (hg19) VCF-style: chr2-227942677-C-G.
Other names: short protein forms E640D.
Identifiers: ClinVar variation 3667592 (VCV003667592.2).